The following is an entry in ClinVar:

NM_001267550.2(TTN):c.91879A>G (p.Ile30627Val)

Genes: TTN (titin; minus strand), TTN-AS1 (TTN antisense RNA 1; plus strand). Cytogenetic location: 2q31.2.
Variant type: single nucleotide variant.
Coding change: c.91879A>G on transcript NM_001267550.2 (MANE Select); coding-DNA position 91879, A replaced by G.
Protein change: p.Ile30627Val; replaces isoleucine 30627 with valine.
Molecular consequence: missense variant.
Genome position (GRCh38, 1-based): chr2:178,549,843, T>C on the plus strand (A>G on the coding strand, the complement: TTN is on the minus strand). VCF-style: chr2-178549843-T-C. GRCh37 (hg19) VCF-style: chr2-179414570-T-C.
Other names: c.84175A>G, p.Ile28059Val (NM_133378.4); c.86956A>G, p.Ile28986Val (NM_001256850.1); c.64684A>G, p.Ile21562Val (NM_003319.4); c.65059A>G, p.Ile21687Val (NM_133432.3); c.65260A>G, p.Ile21754Val (NM_133437.4); short protein forms I28059V, I30627V, I21562V, I21687V, I28986V, I21754V.
Identifiers: ClinVar variation 180070 (VCV000180070.14), dbSNP rs535151633, ClinGen allele CA185748.

ClinVar aggregate classification (germline): Conflicting classifications of pathogenicity. Review status: criteria provided, conflicting classifications (1 of 4 stars). 8 submissions from 4 submitters: Uncertain significance (5); Likely benign (3). Last evaluated 2023-05-24.

Conditions:
Dilated cardiomyopathy 1G (CMD1G). Identifiers: Orphanet 154, MedGen C1858763, MONDO:0011400, OMIM 604145.
Autosomal recessive limb-girdle muscular dystrophy type 2J (LGMDR10). Also called: Limb-girdle muscular dystrophy, type 2J; MUSCULAR DYSTROPHY, LIMB-GIRDLE, AUTOSOMAL RECESSIVE 10. Identifiers: Orphanet 140922, MedGen C1837342, MONDO:0012127, OMIM 608807.
Tibial muscular dystrophy (TMD). Also called: UDD MYOPATHY; Tibial muscular dystrophy, tardive; Udd Distal Myopathy – Tibial Muscular Dystrophy. Identifiers: Orphanet 609, MedGen C1838244, MONDO:0010870, OMIM 600334.
Early-onset myopathy with fatal cardiomyopathy (CMYO5). Also called: Salih Myopathy; CONGENITAL MYOPATHY 5 WITH CARDIOMYOPATHY. Identifiers: Orphanet 289377, MedGen C2673677, MONDO:0012714, OMIM 611705. Disease mechanism: loss of function.
Myopathy, myofibrillar, 9, with early respiratory failure (MFM9). Also called: MYOPATHY, PROXIMAL, WITH EARLY RESPIRATORY MUSCLE INVOLVEMENT; Hereditary myopathy with early respiratory failure; Myopathy, distal, with early respiratory failure, autosomal dominant; EDSTROM MYOPATHY. Identifiers: Orphanet 178464, Orphanet 34521, MedGen C1863599, MONDO:0011362, OMIM 603689.

Allele frequency attached by ClinVar (database versions not stated): gnomAD 0.00001; TOPMed 0.00001; gnomAD exomes 0.00002; ExAC 0.00003.
gnomAD v4.1: 18 of 1,581,346 alleles (0.0011%); highest among the groups gnomAD compares: East Asian, 0.018%; no homozygotes.

Submissions (8):

Blueprint Genetics
Classification: Likely benign. Last evaluated: 2023-05-24. Review status: criteria provided, single submitter. Criteria: ACMG Guidelines, 2015. Collection method: clinical testing. Allele origin: germline.

Illumina Laboratory Services, Illumina
Classification: Likely benign for Tibial muscular dystrophy. Last evaluated: 2018-01-12. Review status: criteria provided, single submitter. Criteria: ICSL Variant Classification Criteria 13 December 2019. Collection method: clinical testing. Allele origin: germline.
Comment: This variant was observed in the ICSL laboratory as part of a predisposition screen in an ostensibly healthy population. It had not been previously curated by ICSL or reported in the Human Gene Mutation Database (HGMD: prior to June 1st, 2018), and was therefore a candidate for classification through an automated scoring system. Utilizing variant allele frequency, disease prevalence and penetrance estimates, and inheritance mode, an automated score was calculated to assess if this variant is too frequent to cause the disease. Based on the score and internal cut-off values, a variant classified as likely benign is not then subjected to further curation. The score for this variant resulted in a classification of likely benign for this disease.

Illumina Laboratory Services, Illumina
Classification: Uncertain significance for Autosomal recessive limb-girdle muscular dystrophy type 2J. Last evaluated: 2018-01-12. Review status: criteria provided, single submitter. Criteria: ICSL Variant Classification Criteria 13 December 2019. Collection method: clinical testing. Allele origin: germline.

Illumina Laboratory Services, Illumina
Classification: Likely benign for Myopathy, myofibrillar, 9, with early respiratory failure. Last evaluated: 2018-01-12. Review status: criteria provided, single submitter. Criteria: ICSL Variant Classification Criteria 13 December 2019. Collection method: clinical testing. Allele origin: germline.
Comment: the same text as in the submission from Illumina Laboratory Services, Illumina above.

Illumina Laboratory Services, Illumina
Classification: Uncertain significance for Dilated cardiomyopathy 1G. Last evaluated: 2018-01-12. Review status: criteria provided, single submitter. Criteria: ICSL Variant Classification Criteria 13 December 2019. Collection method: clinical testing. Allele origin: germline.

Illumina Laboratory Services, Illumina
Classification: Uncertain significance for Early-onset myopathy with fatal cardiomyopathy. Last evaluated: 2018-01-12. Review status: criteria provided, single submitter. Criteria: ICSL Variant Classification Criteria 13 December 2019. Collection method: clinical testing. Allele origin: germline.

Eurofins Ntd Llc (ga)
Classification: Uncertain significance. Last evaluated: 2017-01-23. Review status: criteria provided, single submitter. Criteria: EGL Classification Definitions 2015. Collection method: clinical testing. Allele origin: germline. Observed: 1 variant allele, 1 heterozygote.

Laboratory for Molecular Medicine, Mass General Brigham Personalized Medicine
Classification: Uncertain significance. Last evaluated: 2014-11-17. Review status: criteria provided, single submitter. Criteria: LMM Criteria. Collection method: clinical testing. Allele origin: germline. Observed: 1 variant allele.
Comment: The p.Ile28059Val variant in TTN gene has not been previously reported in indivi duals with cardiomyopathy or in large population studies. Computational predicti on tools and conservation analysis do not provide strong support for or against an impact to the protein. In summary, the clinical significance of the p.Ile2805 9Val variant is uncertain.